The following is an entry in ClinVar:

ClinVar aggregate classification (germline): Pathogenic (1 of 4 stars; one submission).

Submission:

Quest Diagnostics Nichols Institute San Juan Capistrano
Classification: Pathogenic. Last evaluated: 2022-08-31. Review status: criteria provided, single submitter. Criteria: ACMG/ClinGen CNV Guidelines, 2019. Collection method: clinical testing. Allele origin: unknown.
Comment: This copy number gain is associated with the proximal (LCR22 A-D) 22q11.2 duplication syndrome (OMIM 608363). De novo and inherited duplications of this locus have been associated with a broad range of features (Wenger et al. Mol Autism. 2016 May 6;7:27. PMID: 27158440). Some carriers have no discernable clinical phenotype. See GeneReviews for additional information and references

GRCh37/hg19 22q11.21(chr22:18649189-20311858)x3

Genes: ARVCF (ARVCF delta catenin family member; minus strand), C22orf39 (chromosome 22 open reading frame 39; minus strand), CDC45 (cell division cycle 45; plus strand), CLDN5 (claudin 5; minus strand), CLTCL1 (clathrin heavy chain like 1; minus strand) and 25 more. Cytogenetic location: 22q11.21.
Variant type: copy number gain.
Change: copy number 3 (three copies instead of two) of chr22:18,649,189-20,311,858 (1.66 Mb, GRCh37 coordinates, 1-based), cytogenetic band 22q11.21.
Identifiers: ClinVar variation 565025 (VCV000565025.3).